The following is an entry in ClinVar:

NM_002234.4(KCNA5):c.667G>A (p.Glu223Lys)

Gene: KCNA5 (potassium voltage-gated channel subfamily A member 5; plus strand). Cytogenetic location: 12p13.32.
Variant type: single nucleotide variant.
Coding change: c.667G>A on transcript NM_002234.4 (MANE Select); coding-DNA position 667, G replaced by A.
Protein change: p.Glu223Lys; replaces glutamic acid 223 with lysine.
Molecular consequence: missense variant.
Genome position (GRCh38, 1-based): chr12:5,044,814, G>A. VCF-style: chr12-5044814-G-A. GRCh37 (hg19) VCF-style: chr12-5153980-G-A.
Other names: c.667G>A (NM_002234.2); short protein forms E223K.
Identifiers: ClinVar variation 537307 (VCV000537307.12), dbSNP rs367992628, ClinGen allele CA6399690.

ClinVar aggregate classification (germline): Uncertain significance. Review status: criteria provided, multiple submitters, no conflicts (2 of 4 stars). 3 submissions from 3 submitters: Uncertain significance (3). Last evaluated 2025-12-09.

Conditions:
Atrial fibrillation, familial, 7 (ATFB7). Identifiers: MedGen C2677106, MONDO:0012828, OMIM 612240.

Allele frequency attached by ClinVar (database versions not stated): gnomAD exomes 0.00003; ExAC 0.00004; gnomAD 0.00009 and 0.00010; TOPMed 0.00013; ESP Exome Variant Server 0.00015; 1000 Genomes Project 0.00040; 1000 Genomes Project 30x 0.00047.
gnomAD v4.1: 35 of 1,614,110 alleles (0.0022%); highest among the groups gnomAD compares: African/African-American, 0.043%; no homozygotes.

Submissions (3):

Labcorp Genetics (formerly Invitae), Labcorp
Classification: Uncertain significance for Atrial fibrillation, familial, 7. Last evaluated: 2025-12-09. Review status: criteria provided, single submitter. Criteria: Invitae Variant Classification Sherloc (09022015). Collection method: clinical testing. Allele origin: germline.
Comment: This sequence change replaces glutamic acid, which is acidic and polar, with lysine, which is basic and polar, at codon 223 of the KCNA5 protein (p.Glu223Lys). This variant is present in population databases (rs367992628, gnomAD 0.04%). This variant has not been reported in the literature in individuals affected with KCNA5-related conditions. ClinVar contains an entry for this variant (Variation ID: 537307). Invitae Evidence Modeling of protein sequence and biophysical properties (such as structural, functional, and spatial information, amino acid conservation, physicochemical variation, residue mobility, and thermodynamic stability) indicates that this missense variant is not expected to disrupt KCNA5 protein function with a negative predictive value of 80%. In summary, the available evidence is currently insufficient to determine the role of this variant in disease. Therefore, it has been classified as a Variant of Uncertain Significance.

Women's Health and Genetics/Laboratory Corporation of America, LabCorp
Classification: Uncertain significance. Last evaluated: 2025-09-15. Review status: criteria provided, single submitter. Criteria: LabCorp Variant Classification Summary - May 2015. Collection method: clinical testing. Allele origin: germline.

GeneDx
Classification: Uncertain significance. Last evaluated: 2024-07-31. Review status: criteria provided, single submitter. Criteria: GeneDx Variant Classification Process June 2021. Collection method: clinical testing. Allele origin: germline. Affected: yes.
Comment: In silico analysis supports that this missense variant has a deleterious effect on protein structure/function; Has not been previously published as pathogenic or benign to our knowledge